The following is an entry in ClinVar:

ClinVar aggregate classification (germline): Uncertain significance (1 of 4 stars; one submission).

Conditions:
GNAS-related disorder. Identifiers: MedGen CN380105.

gnomAD v4.1: 1 of 1,612,980 alleles (0.000062%); highest among the groups gnomAD compares: Admixed American, 0.0017%; no homozygotes.

Submission:

PreventionGenetics, part of Exact Sciences
Classification: Uncertain significance for GNAS-related condition. Last evaluated: 2025-10-21. Review status: criteria provided, single submitter. Criteria: ACMG Guidelines, 2015. Collection method: clinical testing. Allele origin: germline.
Comment: The GNAS c.809T>C variant is predicted to result in the amino acid substitution p.Leu270Ser. In the more commonly reported transcript (NM_000516.5) this variant is pre-coding (c.-37466T>C). To our knowledge, this variant has not been reported in the literature. This variant is reported in 0.0029% of alleles in individuals of Latino descent in gnomAD. At this time, the clinical significance of this variant is uncertain due to the absence of conclusive functional and genetic evidence.

NM_080425.4(GNAS):c.996T>C (p.Leu332=)

Gene: GNAS (GNAS complex locus; plus strand). Cytogenetic location: 20q13.32.
Variant type: single nucleotide variant.
Coding change: c.996T>C on transcript NM_080425.4 (MANE Plus Clinical); coding-DNA position 996, T replaced by C.
Protein change: p.Leu332=; no amino-acid change (leucine 332 retained).
Molecular consequence: synonymous variant. On other transcripts: missense variant (2), intron variant (3).
Genome position (GRCh38, 1-based): chr20:58,854,261, T>C. VCF-style: chr20-58854261-T-C. GRCh37 (hg19) VCF-style: chr20-57429316-T-C.
Other names: c.809T>C, p.Leu270Ser (NM_001077490.3, NM_001309883.1); c.996T>C, p.Leu332= (NM_001410913.1); c.*42+13375T>C (NM_016592.5); c.43+13375T>C (NM_001410912.1); c.-39+12386T>C (NM_001309861.2); short protein forms L270S.
Identifiers: ClinVar variation 4986344 (VCV004986344.1).